The following is an entry in ClinVar:

ClinVar aggregate classification (germline): Uncertain significance (1 of 4 stars; one submission).

Conditions:
Severe combined immunodeficiency due to IKK2 deficiency. Also called: Immunodeficiency 15; IMMUNODEFICIENCY 15B. Identifiers: Orphanet 397787, MedGen C4747743, MONDO:0014267, OMIM 615592.

Submission:

Labcorp Genetics (formerly Invitae), Labcorp
Classification: Uncertain significance for Severe combined immunodeficiency due to IKK2 deficiency. Last evaluated: 2026-01-03. Review status: criteria provided, single submitter. Criteria: Invitae Variant Classification Sherloc (09022015). Collection method: clinical testing. Allele origin: germline.
Comment: This sequence change replaces isoleucine, which is neutral and non-polar, with threonine, which is neutral and polar, at codon 41 of the IKBKB protein (p.Ile41Thr). This variant is not present in population databases (gnomAD no frequency). This variant has not been reported in the literature in individuals affected with IKBKB-related conditions. Invitae Evidence Modeling of protein sequence and biophysical properties (such as structural, functional, and spatial information, amino acid conservation, physicochemical variation, residue mobility, and thermodynamic stability) indicates that this missense variant is not expected to disrupt IKBKB protein function with a negative predictive value of 95%. In summary, the available evidence is currently insufficient to determine the role of this variant in disease. Therefore, it has been classified as a Variant of Uncertain Significance.

NM_001556.3(IKBKB):c.122T>C (p.Ile41Thr)

Gene: IKBKB (inhibitor of nuclear factor kappa B kinase subunit beta; plus strand). Cytogenetic location: 8p11.21.
Variant type: single nucleotide variant.
Coding change: c.122T>C on transcript NM_001556.3 (MANE Select); coding-DNA position 122, T replaced by C.
Protein change: p.Ile41Thr; replaces isoleucine 41 with threonine.
Molecular consequence: missense variant. On other transcripts: 5 prime UTR variant (1), non-coding transcript variant (3), intron variant (1).
Genome position (GRCh38, 1-based): chr8:42,288,650, T>C. VCF-style: chr8-42288650-T-C. GRCh37 (hg19) VCF-style: chr8-42146168-T-C.
Other names: c.-71T>C (NM_001190720.3); c.24-1506T>C (NM_001242778.2); short protein forms I41T.
Identifiers: ClinVar variation 4802731 (VCV004802731.1).
Genomic context (GRCh38, chr8:42,288,650, plus strand): 5'-GCCTGCAGCTCGCTCTGCTGGTCCCCACTGTGCTGTTTCTGTAGGAAACAGGTGAGCAGA[T>C]TGCCATCAAGCAGTGCCGGCAGGAGCTCAGCCCCCGGAACCGAGAGCGGTGGTGCCTGGA-3'
Protein context (NP_001547.1, residues 31-51): RWHNQETGEQ[Ile41Thr]AIKQCRQELS